The following is an entry in ClinVar:

ClinVar aggregate classification (germline): Pathogenic (1 of 4 stars; one submission).

Submission:

Labcorp Genetics (formerly Invitae), Labcorp
Classification: Pathogenic. Last evaluated: 2021-07-28. Review status: criteria provided, single submitter. Criteria: Invitae Variant Classification Sherloc (09022015). Collection method: clinical testing. Allele origin: germline.
Comment: For these reasons, this variant has been classified as Pathogenic. Algorithms developed to predict the effect of sequence changes on RNA splicing suggest that this variant may create or strengthen a splice site. This variant has not been reported in the literature in individuals affected with COL4A5-related conditions. This variant is not present in population databases (ExAC no frequency). This sequence change creates a premature translational stop signal (p.Gly1077Valfs*75) in the COL4A5 gene. It is expected to result in an absent or disrupted protein product. Loss-of-function variants in COL4A5 are known to be pathogenic (PMID: 9195222, 10752524, 14514738, 24854265, 26809805).

Literature cited by the submitters: PubMed 9195222; PubMed 10752524; PubMed 14514738; PubMed 24854265; PubMed 26809805.

NM_033380.3(COL4A5):c.3230del (p.Gly1077fs)

Gene: COL4A5 (collagen type IV alpha 5 chain; plus strand). Cytogenetic location: Xq22.3.
Variant type: Deletion.
Coding change: c.3230del on transcript NM_033380.3 (MANE Select); coding-DNA position 3230, one base deleted (G; older notation c.3230delG).
Protein change: p.Gly1077fs; shifts the reading frame from glycine 1077.
Molecular consequence: frameshift variant.
Genome position (GRCh38, 1-based): chrX:108,626,333, G deleted; the last of 2 consecutive G bases (chrX:108,626,332-108,626,333); deleting either gives the same sequence. VCF-style (leftmost placement, unchanged base first): chrX-108626331-AG-A. GRCh37 (hg19) VCF-style: chrX-107869561-AG-A.
Other names: c.3230del, p.Gly1077fs (NM_000495.5); short protein forms G1077fs.
Identifiers: ClinVar variation 1457887 (VCV001457887.6), dbSNP rs2147873472, ClinGen allele CA2573159106.